The following is an entry in ClinVar:

ClinVar aggregate classification (germline): Uncertain significance (1 of 4 stars; one submission).

Conditions:
Inborn genetic diseases. Identifiers: MedGen C0950123, MeSH D030342.

Allele frequency attached by ClinVar (database versions not stated): gnomAD exomes below 0.00001; TOPMed below 0.00001.
gnomAD v4.1: 4 of 1,606,314 alleles (0.00025%); highest among the groups gnomAD compares: Non-Finnish European, 0.00026%; no homozygotes.

Submission:

Ambry Genetics
Classification: Uncertain significance for Inborn genetic diseases. Last evaluated: 2019-11-12. Review status: criteria provided, single submitter. Criteria: Ambry Variant Classification Scheme 2023. Collection method: clinical testing. Allele origin: germline.
Comment: The p.S1096G variant (also known as c.3286A>G), located in coding exon 16 of the SCN9A gene, results from an A to G substitution at nucleotide position 3286. The serine at codon 1096 is replaced by glycine, an amino acid with similar properties. This amino acid position is highly conserved in available vertebrate species. In addition, the in silico prediction for this alteration is inconclusive. Since supporting evidence is limited at this time, the clinical significance of this alteration remains unclear.

NM_001365536.1(SCN9A):c.3319A>G (p.Ser1107Gly)

Genes: SCN1A-AS1 (SCN1A and SCN9A antisense RNA 1; plus strand), SCN9A (sodium voltage-gated channel alpha subunit 9; minus strand). Cytogenetic location: 2q24.3.
Variant type: single nucleotide variant.
Coding change: c.3319A>G on transcript NM_001365536.1 (MANE Select); coding-DNA position 3319, A replaced by G.
Protein change: p.Ser1107Gly; replaces serine 1107 with glycine.
Molecular consequence: missense variant.
Genome position (GRCh38, 1-based): chr2:166,272,431, T>C on the plus strand (A>G on the coding strand, the complement: SCN9A is on the minus strand). VCF-style: chr2-166272431-T-C. GRCh37 (hg19) VCF-style: chr2-167128941-T-C.
Other names: c.3286A>G, p.Ser1096Gly (NM_002977.4); short protein forms S1096G, S1107G.
Identifiers: ClinVar variation 1729789 (VCV001729789.2), dbSNP rs1333128011, ClinGen allele CA349072539.
Genomic context (GRCh38, chr2:166,272,431, plus strand): 5'-AAACACAAAGTATATGAAGCATTCTTACCACTTTGCTGTATTCACTATCCGAATCACTGC[T>C]AAGTTCCTCAGCATTCATATTTTCCAAATCGGATTCCCCAGGTGCAATTGGCACTGTCAC-3'
Protein context (NP_001352465.1, residues 1097-1117): DLENMNAEEL[Ser1107Gly]SDSDSEYSKV